The following is an entry in ClinVar:

ClinVar aggregate classification (germline): Conflicting classifications of pathogenicity. Review status: criteria provided, conflicting classifications (1 of 4 stars). 6 submissions from 6 submitters: Uncertain significance (3); Likely benign (3). Last evaluated 2026-01-18.

Conditions:
Werner syndrome (WRN). Identifiers: Orphanet 902, MedGen C0043119, MONDO:0010196, OMIM 277700.
Inborn genetic diseases. Identifiers: MedGen C0950123, MeSH D030342.

Allele frequency attached by ClinVar (database versions not stated): ESP Exome Variant Server 0.00008; TOPMed 0.00028.
gnomAD v4.1: 198 of 1,613,600 alleles (0.012%); highest among the groups gnomAD compares: Admixed American, 0.27%; no homozygotes.

Submissions (6):

Labcorp Genetics (formerly Invitae), Labcorp
Classification: Likely benign for Werner syndrome. Last evaluated: 2026-01-18. Review status: criteria provided, single submitter. Criteria: Invitae Variant Classification Sherloc (09022015). Collection method: clinical testing. Allele origin: germline.

Mayo Clinic Laboratories, Mayo Clinic
Classification: Likely benign. Last evaluated: 2025-05-16. Review status: criteria provided, single submitter. Criteria: ACMG Guidelines, 2015. Collection method: clinical testing. Allele origin: germline. Observed: 2 variant alleles.
Comment: BS1, BP4

Ambry Genetics
Classification: Likely benign for Inborn genetic diseases. Last evaluated: 2025-04-10. Review status: criteria provided, single submitter. Criteria: Ambry Variant Classification Scheme 2023. Collection method: clinical testing. Allele origin: germline.

Fulgent Genetics
Classification: Uncertain significance for Werner syndrome. Last evaluated: 2024-05-29. Review status: criteria provided, single submitter. Criteria: ACMG Guidelines, 2015. Collection method: clinical testing. Allele origin: germline.

GeneDx
Classification: Uncertain significance. Last evaluated: 2022-06-30. Review status: criteria provided, single submitter. Criteria: GeneDx Variant Classification Process June 2021. Collection method: clinical testing. Allele origin: germline. Affected: yes.
Comment: In silico analysis supports that this missense variant has a deleterious effect on protein structure/function; Has not been previously published as pathogenic or benign to our knowledge

Baylor Genetics
Classification: Uncertain significance for Werner syndrome. Last evaluated: 2019-07-27. Review status: criteria provided, single submitter. Criteria: ACMG Guidelines, 2015. Collection method: clinical testing. Allele origin: unknown. Affected: yes. Study: CSER-TexasKidsCanSeq.
Comment: This variant was determined to be of uncertain significance according to ACMG Guidelines, 2015 [PMID:25741868].

NM_000553.6(WRN):c.1181C>T (p.Ser394Leu)

Gene: WRN (WRN RecQ like helicase; plus strand). Cytogenetic location: 8p12.
Variant type: single nucleotide variant.
Coding change: c.1181C>T on transcript NM_000553.6 (MANE Select); coding-DNA position 1181, C replaced by T.
Protein change: p.Ser394Leu; replaces serine 394 with leucine.
Molecular consequence: missense variant.
Genome position (GRCh38, 1-based): chr8:31,081,208, C>T. VCF-style: chr8-31081208-C-T. GRCh37 (hg19) VCF-style: chr8-30938724-C-T.
Other names: p.Ser394Leu; short protein forms S394L.
Identifiers: ClinVar variation 412710 (VCV000412710.17), dbSNP rs200487813, ClinGen allele CA4704263.